The following is an entry in ClinVar:

NM_002661.5(PLCG2):c.337+2T>C

Gene: PLCG2 (phospholipase C gamma 2; plus strand). Cytogenetic location: 16q23.3.
Variant type: single nucleotide variant.
Coding change: c.337+2T>C on transcript NM_002661.5 (MANE Select); the canonical splice donor site of the intron after coding-DNA position 337, T replaced by C.
Molecular consequence: splice donor variant.
Genome position (GRCh38, 1-based): chr16:81,854,589, T>C. VCF-style: chr16-81854589-T-C. GRCh37 (hg19) VCF-style: chr16-81888194-T-C.
Identifiers: ClinVar variation 569439 (VCV000569439.9), dbSNP rs866001196, ClinGen allele CA285163766.

ClinVar aggregate classification (germline): Uncertain significance. Review status: criteria provided, multiple submitters, no conflicts (2 of 4 stars). 3 submissions from 3 submitters: Uncertain significance (3). Last evaluated 2023-12-22.

Conditions:
Autoinflammation-PLCG2-associated antibody deficiency-immune dysregulation. Also called: Autoinflammation, antibody deficiency, and immune dysregulation, plcg2-associated; AUTOINFLAMMATION, ANTIBODY DEFICIENCY, AND IMMUNE DYSREGULATION; Autoinflammation, antibody deficiency, and immune dysregulation syndrome. Identifiers: Orphanet 324530, MedGen C3553961, MONDO:0013944, OMIM 614878.
Familial cold autoinflammatory syndrome 3 (FCAS3). Also called: FAMILIAL ATYPICAL COLD URTICARIA; ANTIBODY DEFICIENCY AND IMMUNE DYSREGULATION, PLCG2-ASSOCIATED. Identifiers: Orphanet 300359, MedGen C3280914, MONDO:0013766, OMIM 614468.

Allele frequency attached by ClinVar (database versions not stated): gnomAD exomes below 0.00001 and 0.00001; TOPMed below 0.00001.
gnomAD v4.1: 2 of 1,613,442 alleles (0.00012%); highest among the groups gnomAD compares: Admixed American, 0.0017%; no homozygotes.

Submissions (3):

Labcorp Genetics (formerly Invitae), Labcorp
Classification: Uncertain significance for Familial cold autoinflammatory syndrome 3. Last evaluated: 2023-12-22. Review status: criteria provided, single submitter. Criteria: Invitae Variant Classification Sherloc (09022015). Collection method: clinical testing. Allele origin: germline.
Comment: This sequence change affects a donor splice site in intron 3 of the PLCG2 gene. It is expected to disrupt RNA splicing. Variants that disrupt the donor or acceptor splice site typically lead to a loss of protein function (PMID: 16199547), however the current clinical and genetic evidence is not sufficient to establish whether loss-of-function variants in PLCG2 cause disease. This variant is present in population databases (no rsID available, gnomAD 0.003%). This variant has not been reported in the literature in individuals affected with PLCG2-related conditions. ClinVar contains an entry for this variant (Variation ID: 569439). Algorithms developed to predict the effect of sequence changes on RNA splicing suggest that this variant may disrupt the consensus splice site. In summary, the available evidence is currently insufficient to determine the role of this variant in disease. Therefore, it has been classified as a Variant of Uncertain Significance.

ARUP Laboratories, Molecular Genetics and Genomics, ARUP Laboratories
Classification: Uncertain significance. Last evaluated: 2023-09-18. Review status: criteria provided, single submitter. Criteria: ARUP Molecular Germline Variant Investigation Process 2024. Collection method: clinical testing. Allele origin: germline.
Comment: The PLCG2 c.337+2T>C variant (rs866001196), to our knowledge, is not reported in the medical literature but is reported in ClinVar (Variation ID: 569439). This variant is observed in the general population with an overall allele frequency of 0.0008% (2/249128 alleles) in the Genome Aggregation Database. This is an intronic variant in a highly conserved nucleotide, and computational analyses (Alamut Visual Plus v.1.5.1) predict that this variant impacts splicing by destroying the nearby canonical donor splice site. However, there is currently limited information to determine whether loss-of-function variants in PLCG2 cause disease. Given limited information, the clinical significance of this variant is uncertain at this time.

Baylor Genetics
Classification: Uncertain significance for Autoinflammation-PLCG2-associated antibody deficiency-immune dysregulation. Last evaluated: 2023-04-05. Review status: criteria provided, single submitter. Criteria: ACMG Guidelines, 2015. Collection method: clinical testing. Allele origin: unknown.

Literature cited by the submitters: PubMed 16199547 (cited by Labcorp Genetics (formerly Invitae), Labcorp).